The following is an entry in ClinVar:

NM_015215.4(CAMTA1):c.4307C>T (p.Thr1436Ile)

Gene: CAMTA1 (calmodulin binding transcription activator 1; plus strand). Cytogenetic location: 1p36.23.
Variant type: single nucleotide variant.
Coding change: c.4307C>T on transcript NM_015215.4 (MANE Select); coding-DNA position 4307, C replaced by T.
Protein change: p.Thr1436Ile; replaces threonine 1436 with isoleucine.
Molecular consequence: missense variant.
Genome position (GRCh38, 1-based): chr1:7,744,959, C>T. VCF-style: chr1-7744959-C-T. GRCh37 (hg19) VCF-style: chr1-7805019-C-T.
Other names: c.4217C>T, p.Thr1406Ile (NM_001349608.2); c.3968C>T, p.Thr1323Ile (NM_001349609.2, NM_001349610.2, NM_001410737.1); c.3878C>T, p.Thr1293Ile (NM_001349612.2); c.1436C>T, p.Thr479Ile (NM_001349613.1); c.1379C>T, p.Thr460Ile (NM_001349614.1, NM_001349615.2, NM_001349616.2 and 2 more transcripts); c.1040C>T, p.Thr347Ile (NM_001349619.2, NM_001349620.1, NM_001349621.1 and 5 more transcripts); c.3896C>T, p.Thr1299Ile (NM_001410738.1); short protein forms T1293I, T1299I, T1323I, T1406I, T1436I, T347I, T460I, T479I.
Identifiers: ClinVar variation 2682292 (VCV002682292.1), dbSNP rs758706493, ClinGen allele CA338139913.

ClinVar aggregate classification (germline): Uncertain significance (1 of 4 stars; one submission).

gnomAD v4.1: 1 of 1,614,172 alleles (0.000062%); no homozygotes.

Submission:

Women's Health and Genetics/Laboratory Corporation of America, LabCorp
Classification: Uncertain significance. Last evaluated: 2023-11-28. Review status: criteria provided, single submitter. Criteria: LabCorp Variant Classification Summary - May 2015. Collection method: clinical testing. Allele origin: germline.
Comment: Variant summary: CAMTA1 c.4307C>T (p.Thr1436Ile) results in a non-conservative amino acid change in the encoded protein sequence. Four of five in-silico tools predict a damaging effect of the variant on protein function. The variant was absent in 251420 control chromosomes. The available data on variant occurrences in the general population are insufficient to allow any conclusion about variant significance. To our knowledge, no occurrence of c.4307C>T in individuals affected with Nonprogressive Cerebellar Atxia With Intellectual Disability and no experimental evidence demonstrating its impact on protein function have been reported. No submitters have cited clinical-significance assessments for this variant to ClinVar after 2014. Based on the evidence outlined above, the variant was classified as uncertain significance.